The following is an entry in ClinVar:

ClinVar aggregate classification (germline): Pathogenic (1 of 4 stars; one submission).

gnomAD v4.1: 1 of 1,481,282 alleles (0.000068%); highest among the groups gnomAD compares: South Asian, 0.0014%; no homozygotes.

Submission:

GeneDx
Classification: Pathogenic. Last evaluated: 2025-12-19. Review status: criteria provided, single submitter. Criteria: GeneDx Variant Classification Process June 2021. Collection method: clinical testing. Allele origin: germline.
Comment: Canonical splice site variant predicted to result in a null allele in a gene for which loss of function is a known mechanism of disease; Not observed at significant frequency in large population cohorts (gnomAD); Has not been previously published as pathogenic or benign to our knowledge

NM_001347721.2(DYRK1A):c.490-2A>G

Gene: DYRK1A (dual specificity tyrosine phosphorylation regulated kinase 1A; plus strand). Cytogenetic location: 21q22.13.
Variant type: single nucleotide variant.
Coding change: c.490-2A>G on transcript NM_001347721.2 (MANE Select); the canonical splice acceptor site of the intron before coding-DNA position 490, A replaced by G.
Molecular consequence: splice acceptor variant.
Genome position (GRCh38, 1-based): chr21:37,486,465, A>G. VCF-style: chr21-37486465-A-G. GRCh37 (hg19) VCF-style: chr21-38858767-A-G.
Other names: c.517-2A>G (NM_001396.5, NM_101395.2, NM_130438.2); c.490-2A>G (NM_001347722.2, NM_130436.2); c.403-2A>G (NM_001347723.2).
Identifiers: ClinVar variation 3384353 (VCV003384353.2).